The following is an entry in ClinVar:

ClinVar aggregate classification (germline): Uncertain significance (1 of 4 stars; one submission).

Submission:

GeneDx
Classification: Uncertain significance. Last evaluated: 2023-08-15. Review status: criteria provided, single submitter. Criteria: GeneDx Variant Classification Process June 2021. Collection method: clinical testing. Allele origin: germline. Affected: yes.
Comment: Not observed at significant frequency in large population cohorts (gnomAD); Has not been previously published as pathogenic or benign to our knowledge; In silico analysis suggests this variant may impact gene splicing. In the absence of RNA/functional studies, the actual effect of this sequence change is unknown.

NM_016032.4(ZDHHC9):c.487+6T>G

Gene: ZDHHC9 (zDHHC palmitoyltransferase 9; minus strand). Cytogenetic location: Xq26.1.
Variant type: single nucleotide variant.
Coding change: c.487+6T>G on transcript NM_016032.4 (MANE Select); 6 bases into the intron after coding-DNA position 487, T replaced by G.
Molecular consequence: intron variant.
Genome position (GRCh38, 1-based): chrX:129,823,673, A>C on the plus strand (T>G on the coding strand, the complement: ZDHHC9 is on the minus strand). VCF-style: chrX-129823673-A-C. GRCh37 (hg19) VCF-style: chrX-128957649-A-C.
Other names: c.487+6T>G (NM_001008222.3).
Identifiers: ClinVar variation 3361884 (VCV003361884.1).